The following is an entry in ClinVar:

ClinVar aggregate classification (germline): Uncertain significance (1 of 4 stars; one submission).

Allele frequency attached by ClinVar (database versions not stated): gnomAD exomes 0.00001.
gnomAD v4.1: 19 of 1,603,808 alleles (0.0012%); highest among the groups gnomAD compares: Non-Finnish European, 0.0016%; no homozygotes.

Submission:

Labcorp Genetics (formerly Invitae), Labcorp
Classification: Uncertain significance. Last evaluated: 2022-04-20. Review status: criteria provided, single submitter. Criteria: Invitae Variant Classification Sherloc (09022015). Collection method: clinical testing. Allele origin: germline.
Comment: This sequence change replaces glutamine, which is neutral and polar, with histidine, which is basic and polar, at codon 144 of the TELO2 protein (p.Gln144His). The frequency data for this variant in the population databases is considered unreliable, as metrics indicate poor data quality at this position in the gnomAD database. This variant has not been reported in the literature in individuals affected with TELO2-related conditions. Algorithms developed to predict the effect of missense changes on protein structure and function output the following: SIFT: "Tolerated"; PolyPhen-2: "Benign"; Align-GVGD: "Class C0". The histidine amino acid residue is found in multiple mammalian species, which suggests that this missense change does not adversely affect protein function. In summary, the available evidence is currently insufficient to determine the role of this variant in disease. Therefore, it has been classified as a Variant of Uncertain Significance.

NM_016111.4(TELO2):c.432G>T (p.Gln144His)

Gene: TELO2 (telomere maintenance 2; plus strand). Cytogenetic location: 16p13.3.
Variant type: single nucleotide variant.
Coding change: c.432G>T on transcript NM_016111.4 (MANE Select); coding-DNA position 432, G replaced by T.
Protein change: p.Gln144His; replaces glutamine 144 with histidine.
Molecular consequence: missense variant.
Genome position (GRCh38, 1-based): chr16:1,495,442, G>T. VCF-style: chr16-1495442-G-T. GRCh37 (hg19) VCF-style: chr16-1545443-G-T.
Other names: c.432G>T, p.Gln144His (NM_001351846.2); short protein forms Q144H.
Identifiers: ClinVar variation 1921310 (VCV001921310.3), dbSNP rs777903892, ClinGen allele CA7811639.